The following is an entry in ClinVar:

ClinVar aggregate classification (germline): Uncertain significance (1 of 4 stars; one submission).

Submission:

GeneDx
Classification: Uncertain significance. Last evaluated: 2019-01-30. Review status: criteria provided, single submitter. Criteria: GeneDx Variant Classification Process June 2021. Collection method: clinical testing. Allele origin: germline. Affected: yes.
Comment: Not observed in large population cohorts (Lek et al., 2016; McVean et al., 2012; Exome Variant Server); Has not been previously published as pathogenic or benign to our knowledge; In-silico analysis, which includes splice predictors and evolutionary conservation, is inconclusive as to whether the variant alters gene splicing. In the absence of RNA/functional studies, the actual effect of this sequence change is unknown.

NM_004370.6(COL12A1):c.190+5G>A

Gene: COL12A1 (collagen type XII alpha 1 chain; minus strand). Cytogenetic location: 6q13.
Variant type: single nucleotide variant.
Coding change: c.190+5G>A on transcript NM_004370.6 (MANE Select); 5 bases into the intron after coding-DNA position 190, G replaced by A.
Molecular consequence: intron variant.
Genome position (GRCh38, 1-based): chr6:75,194,826, C>T on the plus strand (G>A on the coding strand, the complement: COL12A1 is on the minus strand). VCF-style: chr6-75194826-C-T. GRCh37 (hg19) VCF-style: chr6-75904542-C-T.
Other names: c.73+7894G>A (NM_080645.3).
Identifiers: ClinVar variation 1320476 (VCV001320476.2), dbSNP rs2149482639, ClinGen allele CA2554361850.